The following is an entry in ClinVar:

ClinVar aggregate classification (germline): Uncertain significance (1 of 4 stars; one submission).

gnomAD v4.1: 1 of 1,613,990 alleles (0.000062%); highest among the groups gnomAD compares: African/African-American, 0.0013%; no homozygotes.

Submission:

Labcorp Genetics (formerly Invitae), Labcorp
Classification: Uncertain significance. Last evaluated: 2023-04-07. Review status: criteria provided, single submitter. Criteria: Invitae Variant Classification Sherloc (09022015). Collection method: clinical testing. Allele origin: germline.
Comment: This variant has not been reported in the literature in individuals affected with NEFH-related conditions. In summary, the available evidence is currently insufficient to determine the role of this variant in disease. Therefore, it has been classified as a Variant of Uncertain Significance. Advanced modeling of protein sequence and biophysical properties (such as structural, functional, and spatial information, amino acid conservation, physicochemical variation, residue mobility, and thermodynamic stability) performed at Invitae indicates that this missense variant is not expected to disrupt NEFH protein function. This variant is not present in population databases (gnomAD no frequency). This sequence change replaces glutamic acid, which is acidic and polar, with glycine, which is neutral and non-polar, at codon 811 of the NEFH protein (p.Glu811Gly).

NM_021076.4(NEFH):c.2432A>G (p.Glu811Gly)

Gene: NEFH (neurofilament heavy chain; plus strand). Cytogenetic location: 22q12.2.
Variant type: single nucleotide variant.
Coding change: c.2432A>G on transcript NM_021076.4 (MANE Select); coding-DNA position 2432, A replaced by G.
Protein change: p.Glu811Gly; replaces glutamic acid 811 with glycine.
Molecular consequence: missense variant.
Genome position (GRCh38, 1-based): chr22:29,490,072, A>G. VCF-style: chr22-29490072-A-G. GRCh37 (hg19) VCF-style: chr22-29886061-A-G.
Other names: short protein forms E811G.
Identifiers: ClinVar variation 2986626 (VCV002986626.3), dbSNP rs868763080, ClinGen allele CA323088973.